The following is an entry in ClinVar:

ClinVar aggregate classification (germline): Likely pathogenic (1 of 4 stars; one submission).

Conditions:
Glycogen storage disease IXb (GSD9B). Also called: GLYCOGENOSIS OF LIVER AND MUSCLE, AUTOSOMAL RECESSIVE; GSD IXb; PHOSPHORYLASE KINASE DEFICIENCY OF LIVER AND MUSCLE, AUTOSOMAL RECESSIVE. Identifiers: Orphanet 79240, MedGen C0543514, MONDO:0009868, OMIM 261750.

Allele frequency attached by ClinVar (database versions not stated): gnomAD exomes below 0.00001.
gnomAD v4.1: 1 of 1,579,676 alleles (0.000063%); highest among the groups gnomAD compares: Non-Finnish European, 0.000087%; no homozygotes.

Submission:

Labcorp Genetics (formerly Invitae), Labcorp
Classification: Likely pathogenic for Glycogen storage disease IXb. Last evaluated: 2023-09-14. Review status: criteria provided, single submitter. Criteria: Invitae Variant Classification Sherloc (09022015). Collection method: clinical testing. Allele origin: germline.
Comment: In summary, the currently available evidence indicates that the variant is pathogenic, but additional data are needed to prove that conclusively. Therefore, this variant has been classified as Likely Pathogenic. Algorithms developed to predict the effect of sequence changes on RNA splicing suggest that this variant may disrupt the consensus splice site. This variant has not been reported in the literature in individuals affected with PHKB-related conditions. This variant is not present in population databases (gnomAD no frequency). This sequence change affects an acceptor splice site in intron 13 of the PHKB gene. It is expected to disrupt RNA splicing. Variants that disrupt the donor or acceptor splice site typically lead to a loss of protein function (PMID: 16199547), and loss-of-function variants in PHKB are known to be pathogenic (PMID: 9215682, 9326319).

Literature cited by the submitters: PubMed 16199547; PubMed 9215682; PubMed 9326319.

NM_000293.3(PHKB):c.1364-1G>A

Gene: PHKB (phosphorylase kinase regulatory subunit beta; plus strand). Cytogenetic location: 16q12.1.
Variant type: single nucleotide variant.
Coding change: c.1364-1G>A on transcript NM_000293.3 (MANE Select); the canonical splice acceptor site of the intron before coding-DNA position 1364, G replaced by A.
Molecular consequence: splice acceptor variant.
Genome position (GRCh38, 1-based): chr16:47,610,825, G>A. VCF-style: chr16-47610825-G-A. GRCh37 (hg19) VCF-style: chr16-47644736-G-A.
Other names: c.1364-1G>A (NM_001363837.1); c.1343-1G>A (NM_001031835.3).
Identifiers: ClinVar variation 2890698 (VCV002890698.3), dbSNP rs2506450760, ClinGen allele CA395802465.